The following is an entry in ClinVar:

NC_000009.11:g.(?_376190)_(677029_?)dup

Genes: DOCK8 (dedicator of cytokinesis 8; plus strand), KANK1 (KN motif and ankyrin repeat domains 1; plus strand). Cytogenetic location: 9p24.3.
Variant type: Duplication.
Identifiers: ClinVar variation 1485747 (VCV001485747.8).

ClinVar aggregate classification (germline): Uncertain significance (1 of 4 stars; one submission).

Conditions:
Hyper-IgE recurrent infection syndrome 3, autosomal recessive. Also called: Autosomal recessive hyper-IgE syndrome due to ZNF341 deficiency; HYPER-IgE SYNDROME 3, AUTOSOMAL RECESSIVE, WITH RECURRENT INFECTIONS. Identifiers: Orphanet 641368, MedGen C4748969, MONDO:0032654, OMIM 618282.

Submission:

Labcorp Genetics (formerly Invitae), Labcorp
Classification: Uncertain significance for Combined immunodeficiency due to DOCK8 deficiency. Last evaluated: 2023-08-04. Review status: criteria provided, single submitter. Criteria: Invitae Variant Classification Sherloc (09022015). Collection method: clinical testing. Allele origin: germline.
Comment: In summary, the available evidence is currently insufficient to determine the role of this variant in disease. Therefore, it has been classified as a Variant of Uncertain Significance. This variant results in a copy number gain of the genomic region encompassing exon(s) 19-48 of the DOCK8 gene. This region includes the termination codon of the gene. This copy number gain extends beyond the assayed region for this gene and therefore may encompass additional genes. As the precise location of this event is unknown, it may be in tandem or it may be located elsewhere in the genome. This variant has not been reported in the literature in individuals affected with DOCK8-related conditions. Experimental studies and prediction algorithms are not available or were not evaluated, and the functional significance of this variant is currently unknown.